The following is an entry in ClinVar:

NM_001851.6(COL9A1):c.876C>T (p.Asp292=)

Gene: COL9A1 (collagen type IX alpha 1 chain; minus strand). Cytogenetic location: 6q13.
Variant type: single nucleotide variant.
Coding change: c.876C>T on transcript NM_001851.6 (MANE Select); coding-DNA position 876, C replaced by T.
Protein change: p.Asp292=; no amino-acid change (aspartic acid 292 retained).
Molecular consequence: synonymous variant. On other transcripts: non-coding transcript variant (1).
Genome position (GRCh38, 1-based): chr6:70,281,390, G>A on the plus strand (C>T on the coding strand, the complement: COL9A1 is on the minus strand). VCF-style: chr6-70281390-G-A. GRCh37 (hg19) VCF-style: chr6-70991093-G-A.
Other names: c.147C>T, p.Asp49= (NM_001377289.1, NM_001377290.1, NM_078485.4); c.876C>T, p.Asp292= (NM_001377291.1).
Identifiers: ClinVar variation 1507650 (VCV001507650.3), dbSNP rs199570724, ClinGen allele CA3882635.

ClinVar aggregate classification (germline): Uncertain significance (1 of 4 stars; one submission).

Allele frequency attached by ClinVar (database versions not stated): gnomAD 0.00001 and 0.00003; ESP Exome Variant Server 0.00008; 1000 Genomes Project 30x 0.00016; 1000 Genomes Project 0.00020.
gnomAD v4.1: 24 of 1,613,176 alleles (0.0015%); highest among the groups gnomAD compares: East Asian, 0.0022%; no homozygotes.

Submission:

Labcorp Genetics (formerly Invitae), Labcorp
Classification: Uncertain significance. Last evaluated: 2022-07-15. Review status: criteria provided, single submitter. Criteria: Invitae Variant Classification Sherloc (09022015). Collection method: clinical testing. Allele origin: germline.
Comment: This sequence change affects codon 292 of the COL9A1 mRNA. It is a 'silent' change, meaning that it does not change the encoded amino acid sequence of the COL9A1 protein. It affects a nucleotide within the consensus splice site. This variant is present in population databases (rs199570724, gnomAD 0.006%). This variant has not been reported in the literature in individuals affected with COL9A1-related conditions. ClinVar contains an entry for this variant (Variation ID: 1507650). Algorithms developed to predict the effect of sequence changes on RNA splicing suggest that this variant is not likely to affect RNA splicing. In summary, the available evidence is currently insufficient to determine the role of this variant in disease. Therefore, it has been classified as a Variant of Uncertain Significance.